The following is an entry in ClinVar:

ClinVar aggregate classification (germline): Likely pathogenic (1 of 4 stars; one submission).

Conditions:
Hereditary cancer-predisposing syndrome. Also called: Hereditary neoplastic syndrome; Neoplastic Syndromes, Hereditary; Tumor predisposition; Hereditary Cancer Syndrome. Identifiers: Orphanet 140162, MedGen C0027672, MeSH D009386, MONDO:0015356.

Submission:

Ambry Genetics
Classification: Likely pathogenic for Hereditary cancer-predisposing syndrome. Last evaluated: 2022-03-24. Review status: criteria provided, single submitter. Criteria: Ambry Variant Classification Scheme 2023. Collection method: clinical testing. Allele origin: germline.
Comment: The c.6573-1G>T intronic variant results from a G to T substitution one nucleotide upstream from coding exon 45 of the ATM gene. In silico splice site analysis predicts that this alteration will weaken the native splice acceptor site and will result in the creation or strengthening of a novel splice acceptor site. In addition, RNA studies have demonstrated that this alteration results in abnormal splicing in the set of samples tested (Ambry internal data). This variant is considered to be rare based on population cohorts in the Genome Aggregation Database (gnomAD). Alterations that disrupt the canonical splice site are expected to cause aberrant splicing, resulting in an abnormal protein or a transcript that is subject to nonsense-mediated mRNA decay. As such, this alteration is classified as likely pathogenic.

NM_000051.4(ATM):c.6573-1G>T

Genes: ATM (ATM serine/threonine kinase; plus strand), C11orf65 (chromosome 11 open reading frame 65; minus strand). Cytogenetic location: 11q22.3.
Variant type: single nucleotide variant.
Coding change: c.6573-1G>T on transcript NM_000051.4 (MANE Select); the canonical splice acceptor site of the intron before coding-DNA position 6573, G replaced by T.
Molecular consequence: splice acceptor variant. On other transcripts: intron variant (2).
Genome position (GRCh38, 1-based): chr11:108,325,309, G>T. VCF-style: chr11-108325309-G-T. GRCh37 (hg19) VCF-style: chr11-108196036-G-T.
Other names: c.6573-1G>T (NM_001351834.2); c.641-16238C>A (NM_001330368.2); c.*38+9911C>A (NM_001351110.2).
Identifiers: ClinVar variation 1754255 (VCV001754255.2), dbSNP rs1591128291, ClinGen allele CA382554640.